The following is an entry in ClinVar:

NM_007078.3(LDB3):c.2156A>C (p.Lys719Thr)

Gene: LDB3 (LIM domain binding 3; plus strand). Cytogenetic location: 10q23.2.
Variant type: single nucleotide variant.
Coding change: c.2156A>C on transcript NM_007078.3 (MANE Select); coding-DNA position 2156, A replaced by C.
Protein change: p.Lys719Thr; replaces lysine 719 with threonine.
Molecular consequence: missense variant.
Genome position (GRCh38, 1-based): chr10:86,732,948, A>C. VCF-style: chr10-86732948-A-C. GRCh37 (hg19) VCF-style: chr10-88492705-A-C.
Other names: c.1826A>C, p.Lys609Thr (NM_001080114.2); c.2171A>C, p.Lys724Thr (NM_001171610.2); c.1967A>C, p.Lys656Thr (NM_001368064.1, NM_001368065.1); c.2015A>C, p.Lys672Thr (NM_001368066.1); short protein forms K609T, K656T, K672T, K719T, K724T.
Identifiers: ClinVar variation 1804570 (VCV001804570.1), dbSNP rs544854881, ClinGen allele CA5585372.

ClinVar aggregate classification (germline): Uncertain significance (1 of 4 stars; one submission).

Allele frequency attached by ClinVar (database versions not stated): ExAC 0.00001; gnomAD 0.00001; 1000 Genomes Project 30x 0.00016; 1000 Genomes Project 0.00020.
gnomAD v4.1: 1 of 1,613,912 alleles (0.000062%); highest among the groups gnomAD compares: East Asian, 0.0022%; no homozygotes.

Submission:

GeneDx
Classification: Uncertain significance. Last evaluated: 2022-06-15. Review status: criteria provided, single submitter. Criteria: GeneDx Variant Classification Process June 2021. Collection method: clinical testing. Allele origin: germline. Affected: yes.
Comment: Not observed at significant frequency in large population cohorts (gnomAD); In silico analysis supports that this missense variant has a deleterious effect on protein structure/function; Has not been previously published as pathogenic or benign to our knowledge